The following is an entry in ClinVar:

ClinVar aggregate classification (germline): Benign (1 of 4 stars; one submission).

Conditions:
Rotor syndrome (HBLRR). Also called: HYPERBILIRUBINEMIA, ROTOR TYPE, DIGENIC; HYPERBILIRUBINEMIA, ROTOR TYPE. Identifiers: Orphanet 3111, MedGen C0220991, MONDO:0009379, OMIM 237450.

Allele frequency attached by ClinVar (database versions not stated): 1000 Genomes Project 0.00819; TOPMed 0.00899; 1000 Genomes Project 30x 0.00937.

Submission:

Illumina Laboratory Services, Illumina
Classification: Benign for Rotor syndrome. Last evaluated: 2018-01-13. Review status: criteria provided, single submitter. Criteria: ICSL Variant Classification Criteria 13 December 2019. Collection method: clinical testing. Allele origin: germline.
Comment: This variant was observed in the ICSL laboratory as part of a predisposition screen in an ostensibly healthy population. It had not been previously curated by ICSL or reported in the Human Gene Mutation Database (HGMD: prior to June 1st, 2018), and was therefore a candidate for classification through an automated scoring system. Utilizing variant allele frequency, disease prevalence and penetrance estimates, and inheritance mode, an automated score was calculated to assess if this variant is too frequent to cause the disease. Based on the score and internal cut-off values, a variant classified as benign is not then subjected to further curation. The score for this variant resulted in a classification of benign for this disease.

NM_019844.4(SLCO1B3):c.*627G>A

Genes: SLCO1B3 (solute carrier organic anion transporter family member 1B3; plus strand), SLCO1B3-SLCO1B7 (SLCO1B3-SLCO1B7 readthrough; plus strand). Cytogenetic location: 12p12.2.
Variant type: single nucleotide variant.
Coding change: c.*627G>A on transcript NM_019844.4 (MANE Select); 627 bases downstream of the stop codon, G replaced by A.
Molecular consequence: 3 prime UTR variant.
Genome position (GRCh38, 1-based): chr12:20,916,874, G>A. VCF-style: chr12-20916874-G-A. GRCh37 (hg19) VCF-style: chr12-21069808-G-A.
Other names: c.*627G>A (NM_001349920.2).
Identifiers: ClinVar variation 307929 (VCV000307929.5), dbSNP rs79132805, ClinGen allele CA10640625.